The following is an entry in ClinVar:

NM_001376.5(DYNC1H1):c.2750C>G (p.Ala917Gly)

Gene: DYNC1H1 (dynein cytoplasmic 1 heavy chain 1; plus strand). Cytogenetic location: 14q32.31.
Variant type: single nucleotide variant.
Coding change: c.2750C>G on transcript NM_001376.5 (MANE Select); coding-DNA position 2750, C replaced by G.
Protein change: p.Ala917Gly; replaces alanine 917 with glycine.
Molecular consequence: missense variant.
Genome position (GRCh38, 1-based): chr14:101,988,734, C>G. VCF-style: chr14-101988734-C-G. GRCh37 (hg19) VCF-style: chr14-102455071-C-G.
Other names: short protein forms A917G.
Identifiers: ClinVar variation 2016402 (VCV002016402.4), dbSNP rs2503701717, ClinGen allele CA391028397.
Genomic context (GRCh38, chr14:101,988,734, plus strand): 5'-ACTGTTCTCTGATATAACGTTGTCTGTAGATTGAAAGAATATTGGGCGTCCGTCTGCAAG[C>G]TGGCCTGAGAGCTTGGACGCAGGTTCTTCTTGGACAAGCTGAAGATAAAGCAGAAGTTGA-3'
Protein context (NP_001367.2, residues 907-927): IERILGVRLQ[Ala917Gly]GLRAWTQVLL

ClinVar aggregate classification (germline): Uncertain significance (1 of 4 stars; one submission).

Conditions:
Charcot-Marie-Tooth disease axonal type 2O. Also called: CHARCOT-MARIE-TOOTH NEUROPATHY, AXONAL, TYPE 2O; CHARCOT-MARIE-TOOTH DISEASE, AXONAL, AUTOSOMAL DOMINANT, TYPE 2O; Charcot-Marie-Tooth disease, axonal, type 20; Charcot-Marie-Tooth Neuropathy Type 2O. Identifiers: Orphanet 284232, MedGen C3280220, MONDO:0013644, OMIM 614228.

Allele frequency attached by ClinVar (database versions not stated): gnomAD exomes below 0.00001.

Submission:

Labcorp Genetics (formerly Invitae), Labcorp
Classification: Uncertain significance for Charcot-Marie-Tooth disease axonal type 2O. Last evaluated: 2022-07-15. Review status: criteria provided, single submitter. Criteria: Invitae Variant Classification Sherloc (09022015). Collection method: clinical testing. Allele origin: germline.
Comment: This sequence change replaces alanine, which is neutral and non-polar, with glycine, which is neutral and non-polar, at codon 917 of the DYNC1H1 protein (p.Ala917Gly). This variant is not present in population databases (gnomAD no frequency). This variant has not been reported in the literature in individuals affected with DYNC1H1-related conditions. Advanced modeling of protein sequence and biophysical properties (such as structural, functional, and spatial information, amino acid conservation, physicochemical variation, residue mobility, and thermodynamic stability) performed at Invitae indicates that this missense variant is not expected to disrupt DYNC1H1 protein function. In summary, the available evidence is currently insufficient to determine the role of this variant in disease. Therefore, it has been classified as a Variant of Uncertain Significance.